The following is an entry in ClinVar:

ClinVar aggregate classification (germline): Conflicting classifications of pathogenicity. Review status: criteria provided, conflicting classifications (1 of 4 stars). 4 submissions from 4 submitters: Uncertain significance (2); Likely benign (1). 1 of the submissions does not count toward it. Last evaluated 2025-05-05.

Conditions:
Hereditary cancer-predisposing syndrome. Also called: Hereditary neoplastic syndrome; Tumor predisposition; Hereditary Cancer Syndrome; Neoplastic Syndromes, Hereditary. Identifiers: Orphanet 140162, MedGen C0027672, MeSH D009386, MONDO:0015356.
Breast-ovarian cancer, familial, susceptibility to, 2 (BROVCA2). Also called: BRCA2 Hereditary Breast and Ovarian Cancer. Identifiers: Orphanet 145, MedGen C2675520, MONDO:0012933, OMIM 612555. Disease mechanism: loss of function.
Hereditary breast ovarian cancer syndrome. Also called: BRCA1- and BRCA2-Associated Hereditary Breast and Ovarian Cancer; Hereditary breast and/or ovarian cancer syndrome; Hereditary breast and ovarian cancer syndrome (HBOC); Breast and ovarian cancer; Hereditary breast and ovarian cancer; Hereditary breast and ovarian cancer syndrome. Identifiers: Orphanet 145, MedGen C0677776, MeSH D061325, MONDO:0003582. Disease mechanism: loss of function.

Allele frequency attached by ClinVar (database versions not stated): gnomAD exomes below 0.00001.

Submissions (4):

Labcorp Genetics (formerly Invitae), Labcorp
Classification: Uncertain significance for Hereditary breast ovarian cancer syndrome. Last evaluated: 2025-05-05. Review status: criteria provided, single submitter. Criteria: Invitae Variant Classification Sherloc (09022015). Collection method: clinical testing. Allele origin: germline.
Comment: This sequence change replaces threonine, which is neutral and polar, with serine, which is neutral and polar, at codon 2169 of the BRCA2 protein (p.Thr2169Ser). This variant is present in population databases (no rsID available, gnomAD 0.0009%). This variant has not been reported in the literature in individuals affected with BRCA2-related conditions. ClinVar contains an entry for this variant (Variation ID: 577437). Invitae Evidence Modeling of protein sequence and biophysical properties (such as structural, functional, and spatial information, amino acid conservation, physicochemical variation, residue mobility, and thermodynamic stability) indicates that this missense variant is not expected to disrupt BRCA2 protein function with a negative predictive value of 95%. In summary, the available evidence is currently insufficient to determine the role of this variant in disease. Therefore, it has been classified as a Variant of Uncertain Significance.

Color Diagnostics, LLC DBA Color Health
Classification: Uncertain significance for Hereditary cancer-predisposing syndrome. Last evaluated: 2023-12-04. Review status: criteria provided, single submitter. Criteria: ACMG Guidelines, 2015. Collection method: clinical testing. Allele origin: germline.
Comment: This missense variant replaces threonine with serine at codon 2169 of the BRCA2 protein. Computational prediction suggests that this variant may not impact protein structure and function (internally defined REVEL score threshold <= 0.5, PMID: 27666373). To our knowledge, functional studies have not been reported for this variant. This variant has not been reported in individuals affected with BRCA2-related disorders in the literature. This variant has been identified in 1/238788 chromosomes in the general population by the Genome Aggregation Database (gnomAD). The available evidence is insufficient to determine the role of this variant in disease conclusively. Therefore, this variant is classified as a Variant of Uncertain Significance.

University of Washington Department of Laboratory Medicine, University of Washington
Classification: Likely benign for Hereditary cancer-predisposing syndrome. Last evaluated: 2023-03-23. Review status: criteria provided, single submitter. Criteria: Dines et al. (Genet Med. 2020). Collection method: curation. Allele origin: germline.
Comment: Missense variant in a coldspot region where missense variants are very unlikely to be pathogenic (PMID:31911673).

BRCA2 exon 11 coldspot. Reclassification based on statistical prior probability.

Department of Medical and Surgical Sciences, University of Bologna
Classification: Likely benign for Breast-ovarian cancer, familial, susceptibility to, 2. Last evaluated: 2023-09-01. Review status: no assertion criteria provided. Collection method: clinical testing. Allele origin: germline. Affected: yes. Not counted in ClinVar's aggregate classification.
Comment: PM2(Supporting)+BP1(Strong) according to ACMG/AMP classification guidelines specified for BRCA1 & BRCA2 (Classification Criteria V1.0.0 2023-09-08) (PMID: 38160042)

NM_000059.4(BRCA2):c.6505A>T (p.Thr2169Ser)

Gene: BRCA2 (BRCA2 DNA repair associated; plus strand). Cytogenetic location: 13q13.1.
Variant type: single nucleotide variant.
Coding change: c.6505A>T on transcript NM_000059.4 (MANE Select); coding-DNA position 6505, A replaced by T.
Protein change: p.Thr2169Ser; replaces threonine 2169 with serine.
Molecular consequence: missense variant.
Genome position (GRCh38, 1-based): chr13:32,340,860, A>T. VCF-style: chr13-32340860-A-T. GRCh37 (hg19) VCF-style: chr13-32914997-A-T.
Other names: short protein forms T2169S.
Identifiers: ClinVar variation 577437 (VCV000577437.16), dbSNP rs1471965041, ClinGen allele CA387789558.